The following is an entry in ClinVar:

ClinVar aggregate classification (germline): Conflicting classifications of pathogenicity. Review status: criteria provided, conflicting classifications (1 of 4 stars). 2 submissions from 2 submitters: Pathogenic (1); Uncertain significance (1). Last evaluated 2024-08-08.

Conditions:
RASopathy. Also called: rasopathies; Noonan spectrum disorder. Identifiers: Orphanet 536391, MedGen C5555857, MONDO:0021060.

Allele frequency attached by ClinVar (database versions not stated): gnomAD exomes below 0.00001.
gnomAD v4.1: 1 of 1,613,744 alleles (0.000062%); highest among the groups gnomAD compares: Non-Finnish European, 0.000085%; no homozygotes.

Submissions (2):

GeneDx
Classification: Pathogenic. Last evaluated: 2024-08-08. Review status: criteria provided, single submitter. Criteria: GeneDx Variant Classification Process June 2021. Collection method: clinical testing. Allele origin: germline. Affected: yes.
Comment: Not observed at significant frequency in large population cohorts (gnomAD); Missense variants in this gene are a common cause of disease and they are underrepresented in the general population; In silico analysis supports that this missense variant has a deleterious effect on protein structure/function; This variant is associated with the following publications: (PMID: 15488754, 24957944, 16439621, 15520807, 17603483, 29493581, 31941532, 32368696)

Labcorp Genetics (formerly Invitae), Labcorp
Classification: Uncertain significance for RASopathy. Last evaluated: 2023-08-09. Review status: criteria provided, single submitter. Criteria: Invitae Variant Classification Sherloc (09022015). Collection method: clinical testing. Allele origin: germline.
Comment: This sequence change replaces phenylalanine, which is neutral and non-polar, with cysteine, which is neutral and slightly polar, at codon 247 of the BRAF protein (p.Phe247Cys). This variant is not present in population databases (gnomAD no frequency). This missense change has been observed in individual(s) with BRAF-related conditions (PMID: 32368696). Advanced modeling of protein sequence and biophysical properties (such as structural, functional, and spatial information, amino acid conservation, physicochemical variation, residue mobility, and thermodynamic stability) performed at Invitae indicates that this missense variant is expected to disrupt BRAF protein function. This variant disrupts the p.Phe247 amino acid residue in BRAF. Other variant(s) that disrupt this residue have been determined to be pathogenic (PMID: 28512244; Invitae). This suggests that this residue is clinically significant, and that variants that disrupt this residue are likely to be disease-causing. In summary, the available evidence is currently insufficient to determine the role of this variant in disease. Therefore, it has been classified as a Variant of Uncertain Significance.

Literature cited by the submitters: PubMed 32368696 (cited by Labcorp Genetics (formerly Invitae), Labcorp); PubMed 28512244 (cited by Labcorp Genetics (formerly Invitae), Labcorp).

NM_004333.6(BRAF):c.740T>G (p.Phe247Cys)

Gene: BRAF (B-Raf proto-oncogene, serine/threonine kinase; minus strand). Cytogenetic location: 7q34.
Variant type: single nucleotide variant.
Coding change: c.740T>G on transcript NM_004333.6 (MANE Select); coding-DNA position 740, T replaced by G.
Protein change: p.Phe247Cys; replaces phenylalanine 247 with cysteine.
Molecular consequence: missense variant.
Genome position (GRCh38, 1-based): chr7:140,801,532, A>C on the plus strand (T>G on the coding strand, the complement: BRAF is on the minus strand). VCF-style: chr7-140801532-A-C. GRCh37 (hg19) VCF-style: chr7-140501332-A-C.
Other names: c.740T>G, p.Phe247Cys (NM_001354609.2, NM_001374244.1, NM_001374258.1 and 4 more transcripts); c.749T>G, p.Phe250Cys (NM_001378467.1); c.638T>G, p.Phe213Cys (NM_001378470.1); c.584T>G, p.Phe195Cys (NM_001378472.1, NM_001378473.1); c.476T>G, p.Phe159Cys (NM_001378475.1); short protein forms F159C, F250C, F195C, F213C, F247C.
Identifiers: ClinVar variation 2780125 (VCV002780125.4), dbSNP rs397507467, ClinGen allele CA369590848.
Genomic context (GRCh38, chr7:140,801,532, plus strand): 5'-TTATAACCACATGTTTGACAGCGGAAACCCTGGAAAAGCAGCTTTCGACAAAAGTCACAA[A>C]ATGCTAAGGTGAAAAACGTTTTTCGTACCTGCAAAGTAAAAAATCACAGAGATTTCAAAA-3'
Protein context (NP_004324.2, residues 237-257): FVRKTFFTLA[Phe247Cys]CDFCRKLLFQ